The following is an entry in ClinVar:

NM_004360.5(CDH1):c.531+1G>C

Gene: CDH1 (cadherin 1; plus strand). Cytogenetic location: 16q22.1.
Variant type: single nucleotide variant.
Coding change: c.531+1G>C on transcript NM_004360.5 (MANE Select); the canonical splice donor site of the intron after coding-DNA position 531, G replaced by C.
Molecular consequence: splice donor variant.
Genome position (GRCh38, 1-based): chr16:68,808,568, G>C. VCF-style: chr16-68808568-G-C. GRCh37 (hg19) VCF-style: chr16-68842471-G-C.
Other names: c.-1085+1G>C (NM_001317185.2); c.-1289+1G>C (NM_001317186.2); c.531+1G>C (NM_001317184.2).
Identifiers: ClinVar variation 921884 (VCV000921884.5), dbSNP rs1131690808, ClinGen allele CA396457825.

ClinVar aggregate classification (germline): Likely pathogenic. Review status: criteria provided, multiple submitters, no conflicts (2 of 4 stars). 2 submissions from 2 submitters: Likely pathogenic (2). Last evaluated 2023-06-09.

Conditions:
Hereditary cancer-predisposing syndrome. Also called: Hereditary Cancer Syndrome; Hereditary neoplastic syndrome; Neoplastic Syndromes, Hereditary; Tumor predisposition. Identifiers: Orphanet 140162, MedGen C0027672, MeSH D009386, MONDO:0015356.
Hereditary diffuse gastric adenocarcinoma (HDGC). Also called: DIFFUSE GASTRIC AND LOBULAR BREAST CANCER SYNDROME. Identifiers: Orphanet 26106, MedGen C1708349, MONDO:0007648, OMIM 137215.

Submissions (2):

Myriad Genetics, Inc.
Classification: Likely pathogenic for Hereditary diffuse gastric adenocarcinoma. Last evaluated: 2023-06-09. Review status: criteria provided, single submitter. Criteria: Myriad Autosomal Dominant, Autosomal Recessive and X-Linked Classification Criteria (2023). Collection method: clinical testing. Allele origin: unknown.
Comment: This variant is considered likely pathogenic. This variant occurs within a consensus splice junction and is predicted to result in abnormal mRNA splicing of either an out-of-frame exon or an in-frame exon necessary for protein stability and/or normal function.

Color Diagnostics, LLC DBA Color Health
Classification: Likely pathogenic for Hereditary cancer-predisposing syndrome. Last evaluated: 2020-05-05. Review status: criteria provided, single submitter. Criteria: ACMG Guidelines, 2015. Collection method: clinical testing. Allele origin: germline.
Comment: This variant causes a G to C nucleotide substitution at the +1 position of intron 4 of the CDH1 gene. Splice site prediction tools predict that this variant may have a significant impact on RNA splicing. To our knowledge, functional studies have not been reported for this variant. This variant has not been reported in individuals affected with hereditary cancer in the literature. This variant has not been identified in the general population by the Genome Aggregation Database (gnomAD). Loss of CDH1 function is a known mechanism of disease. Based on the available evidence, this variant is classified as Likely Pathogenic.